The following is an entry in ClinVar:

ClinVar aggregate classification (germline): Uncertain significance. Review status: criteria provided, multiple submitters, no conflicts (2 of 4 stars). 2 submissions from 2 submitters: Uncertain significance (2). Last evaluated 2025-07-08.

Conditions:
Gastrointestinal stromal tumor. Also called: Gastrointestinal stroma tumor; Gastrointestinal stromal tumor, somatic. Identifiers: Orphanet 44890, MedGen C0238198, MeSH D046152, MONDO:0011719, OMIM 606764, HP:0100723.
Hereditary cancer-predisposing syndrome. Also called: Tumor predisposition; Hereditary neoplastic syndrome; Hereditary Cancer Syndrome; Neoplastic Syndromes, Hereditary. Identifiers: Orphanet 140162, MedGen C0027672, MeSH D009386, MONDO:0015356.

Allele frequency attached by ClinVar (database versions not stated): gnomAD exomes below 0.00001 and 0.00001; ExAC 0.00001.
gnomAD v4.1: 6 of 1,613,830 alleles (0.00037%); highest among the groups gnomAD compares: Non-Finnish European, 0.00051%; no homozygotes.

Submissions (2):

Labcorp Genetics (formerly Invitae), Labcorp
Classification: Uncertain significance for Gastrointestinal stromal tumor. Last evaluated: 2025-07-08. Review status: criteria provided, single submitter. Criteria: Invitae Variant Classification Sherloc (09022015). Collection method: clinical testing. Allele origin: germline.
Comment: This sequence change replaces alanine, which is neutral and non-polar, with threonine, which is neutral and polar, at codon 528 of the PDGFRA protein (p.Ala528Thr). This variant is present in population databases (rs763901708, gnomAD 0.0009%). This variant has not been reported in the literature in individuals affected with PDGFRA-related conditions. ClinVar contains an entry for this variant (Variation ID: 528504). Invitae Evidence Modeling of protein sequence and biophysical properties (such as structural, functional, and spatial information, amino acid conservation, physicochemical variation, residue mobility, and thermodynamic stability) indicates that this missense variant is not expected to disrupt PDGFRA protein function with a negative predictive value of 80%. In summary, the available evidence is currently insufficient to determine the role of this variant in disease. Therefore, it has been classified as a Variant of Uncertain Significance.

Ambry Genetics
Classification: Uncertain significance for Hereditary cancer-predisposing syndrome. Last evaluated: 2025-03-31. Review status: criteria provided, single submitter. Criteria: Ambry Variant Classification Scheme 2023. Collection method: clinical testing. Allele origin: germline.
Comment: The p.A528T variant (also known as c.1582G>A), located in coding exon 10 of the PDGFRA gene, results from a G to A substitution at nucleotide position 1582. The alanine at codon 528 is replaced by threonine, an amino acid with similar properties. This amino acid position is well conserved in available vertebrate species. In addition, the in silico prediction for this alteration is inconclusive. Since supporting evidence is limited at this time, the clinical significance of this alteration remains unclear.

NM_006206.6(PDGFRA):c.1582G>A (p.Ala528Thr)

Gene: PDGFRA (platelet derived growth factor receptor alpha; plus strand). Cytogenetic location: 4q12.
Variant type: single nucleotide variant.
Coding change: c.1582G>A on transcript NM_006206.6 (MANE Select); coding-DNA position 1582, G replaced by A.
Protein change: p.Ala528Thr; replaces alanine 528 with threonine.
Molecular consequence: missense variant.
Genome position (GRCh38, 1-based): chr4:54,274,554, G>A. VCF-style: chr4-54274554-G-A. GRCh37 (hg19) VCF-style: chr4-55140721-G-A.
Other names: c.1582G>A, p.Ala528Thr (NM_001347827.2, NM_001347829.2); c.1657G>A, p.Ala553Thr (NM_001347828.2); c.1621G>A, p.Ala541Thr (NM_001347830.2); short protein forms A528T, A541T, A553T.
Identifiers: ClinVar variation 528504 (VCV000528504.14), dbSNP rs763901708, ClinGen allele CA2922620.